The following is an entry in ClinVar:

ClinVar aggregate classification (germline): Conflicting classifications of pathogenicity. Review status: criteria provided, conflicting classifications (1 of 4 stars). 7 submissions from 7 submitters: Uncertain significance (3); Benign (2); Likely benign (1). 1 of the submissions does not count toward it. Last evaluated 2025-12-24.

Conditions:
MYO6-related disorder. Also called: MYO6-related condition; MYO6-related disorders.

Allele frequency attached by ClinVar (database versions not stated): 1000 Genomes Project 30x 0.00016; gnomAD exomes 0.00018; 1000 Genomes Project 0.00020; ExAC 0.00022; ESP Exome Variant Server 0.00077; gnomAD 0.00091 and 0.00099; TOPMed 0.00106.
gnomAD v4.1: 274 of 1,614,064 alleles (0.017%); highest among the groups gnomAD compares: African/African-American, 0.31%; 1 homozygote.

Submissions (7):

Labcorp Genetics (formerly Invitae), Labcorp
Classification: Benign. Last evaluated: 2025-12-24. Review status: criteria provided, single submitter. Criteria: Invitae Variant Classification Sherloc (09022015). Collection method: clinical testing. Allele origin: germline.

Blueprint Genetics
Classification: Uncertain significance. Last evaluated: 2024-08-28. Review status: criteria provided, single submitter. Criteria: ACMG Guidelines, 2015. Collection method: clinical testing. Allele origin: germline.

GeneDx
Classification: Likely benign. Last evaluated: 2020-02-26. Review status: criteria provided, single submitter. Criteria: GeneDx Variant Classification Process June 2021. Collection method: clinical testing. Allele origin: germline. Affected: yes.

Laboratory for Molecular Medicine, Mass General Brigham Personalized Medicine
Classification: Benign. Last evaluated: 2019-04-26. Review status: criteria provided, single submitter. Criteria: LMM Criteria. Collection method: clinical testing. Allele origin: germline. Observed: 1 variant allele.
Comment: The p.Arg1177His variant in MYO6 is classified as benign because it has been identified in 0.3% (77/24958) of African chromosomes by gnomAD. ACMG/AMP Criteria applied: BA1.

Athena Diagnostics
Classification: Uncertain significance. Last evaluated: 2018-05-25. Review status: criteria provided, single submitter. Criteria: Athena Diagnostics Criteria. Collection method: clinical testing. Allele origin: germline.

Eurofins Ntd Llc (ga)
Classification: Uncertain significance. Last evaluated: 2016-09-07. Review status: criteria provided, single submitter. Criteria: EGL Classification Definitions 2015. Collection method: clinical testing. Allele origin: germline. Observed: 2 variant alleles, 2 heterozygotes.

PreventionGenetics, part of Exact Sciences
Classification: Likely benign for MYO6-related condition. Last evaluated: 2019-12-26. Review status: no assertion criteria provided. Collection method: clinical testing. Allele origin: germline. Not counted in ClinVar's aggregate classification.
Comment: This variant is classified as likely benign based on ACMG/AMP sequence variant interpretation guidelines (Richards et al. 2015 PMID: 25741868, with internal and published modifications).

NM_004999.4(MYO6):c.3530G>A (p.Arg1177His)

Gene: MYO6 (myosin VI; plus strand). Cytogenetic location: 6q14.1.
Variant type: single nucleotide variant.
Coding change: c.3530G>A on transcript NM_004999.4 (MANE Select); coding-DNA position 3530, G replaced by A.
Protein change: p.Arg1177His; replaces arginine 1177 with histidine.
Molecular consequence: missense variant. On other transcripts: non-coding transcript variant (1).
Genome position (GRCh38, 1-based): chr6:75,914,153, G>A. VCF-style: chr6-75914153-G-A. GRCh37 (hg19) VCF-style: chr6-76623870-G-A.
Other names: c.3461G>A, p.Arg1154His (NM_001300899.2); c.3434G>A, p.Arg1145His (NM_001368136.1); c.3491G>A, p.Arg1164His (NM_001368137.1); c.3446G>A, p.Arg1149His (NM_001368138.1); c.3557G>A, p.Arg1186His (NM_001368865.1); c.3530G>A, p.Arg1177His (NM_001368866.1); short protein forms R1177H, R1154H, R1145H, R1164H, R1149H, R1186H.
Identifiers: ClinVar variation 289702 (VCV000289702.24), dbSNP rs139664153, ClinGen allele CA3897755.